The following is an entry in ClinVar:

NM_001036.6(RYR3):c.12647G>A (p.Gly4216Glu)

Gene: RYR3 (ryanodine receptor 3; plus strand). Cytogenetic location: 15q14.
Variant type: single nucleotide variant.
Coding change: c.12647G>A on transcript NM_001036.6 (MANE Select); coding-DNA position 12647, G replaced by A.
Protein change: p.Gly4216Glu; replaces glycine 4216 with glutamic acid.
Molecular consequence: missense variant.
Genome position (GRCh38, 1-based): chr15:33,838,627, G>A. VCF-style: chr15-33838627-G-A. GRCh37 (hg19) VCF-style: chr15-34130828-G-A.
Other names: c.12632G>A, p.Gly4211Glu (NM_001243996.4); short protein forms G4216E, G4211E.
Identifiers: ClinVar variation 946597 (VCV000946597.9), dbSNP rs2078179226, ClinGen allele CA391595585.

ClinVar aggregate classification (germline): Uncertain significance (1 of 4 stars; one submission).

Conditions:
Epileptic encephalopathy. Identifiers: MedGen C0543888, HP:0200134.

gnomAD v4.1: 1 of 1,613,918 alleles (0.000062%); no homozygotes.

Submission:

Labcorp Genetics (formerly Invitae), Labcorp
Classification: Uncertain significance for Epileptic encephalopathy. Last evaluated: 2019-06-05. Review status: criteria provided, single submitter. Criteria: Invitae Variant Classification Sherloc (09022015). Collection method: clinical testing. Allele origin: germline.
Comment: Algorithms developed to predict the effect of missense changes on protein structure and function are either unavailable or do not agree on the potential impact of this missense change (SIFT: "Deleterious"; PolyPhen-2: "Probably Damaging"; Align-GVGD: "Class C0"). This variant has not been reported in the literature in individuals with RYR3-related conditions. This variant is not present in population databases (ExAC no frequency). This sequence change replaces glycine with glutamic acid at codon 4216 of the RYR3 protein (p.Gly4216Glu). The glycine residue is highly conserved and there is a moderate physicochemical difference between glycine and glutamic acid. In summary, the available evidence is currently insufficient to determine the role of this variant in disease. Therefore, it has been classified as a Variant of Uncertain Significance.